The following is an entry in ClinVar:

NM_000719.7(CACNA1C):c.5476_5490dup (p.Glu1830_Thr1831insAlaGlyGlnGluGlu)

Genes: CACNA1C (calcium voltage-gated channel subunit alpha1 C; plus strand), CACNA1C-AS1 (CACNA1C antisense RNA 1; minus strand). Cytogenetic location: 12p13.33.
Variant type: Duplication.
Coding change: c.5476_5490dup on transcript NM_000719.7 (MANE Select); coding-DNA positions 5476 to 5490, 15 bases duplicated (GCGGGTCAGGAGGAG).
Protein change: p.Glu1830_Thr1831insAlaGlyGlnGluGlu.
Molecular consequence: inframe insertion.
Genome position (GRCh38, 1-based): chr12:2,682,581-2,682,595, GCGGGTCAGGAGGAG duplicated; duplicating any 15 consecutive bases within chr12:2,682,580-2,682,595 gives the same sequence; the c. name uses the placement nearest the transcript's 3' end. VCF-style (leftmost placement, unchanged base first): chr12-2682579-T-TGGCGGGTCAGGAGGA. GRCh37 (hg19) VCF-style: chr12-2791745-T-TGGCGGGTCAGGAGGA.
Other names: c.5620_5634dup, p.Glu1878_Thr1879insAlaGlyGlnGluGlu (NM_001129827.2); c.5599_5613dup, p.Glu1871_Thr1872insAlaGlyGlnGluGlu (NM_001129829.2); c.5581_5595dup, p.Glu1865_Thr1866insAlaGlyGlnGluGlu (NM_001129830.3, NM_001167624.3); c.5560_5574dup, p.Glu1858_Thr1859insAlaGlyGlnGluGlu (NM_001129831.2); c.5536_5550dup, p.Glu1850_Thr1851insAlaGlyGlnGluGlu (NM_001129832.2); c.5533_5547dup, p.Glu1849_Thr1850insAlaGlyGlnGluGlu (NM_001129833.2, NM_001129834.2, NM_001129835.2); c.5527_5541dup, p.Glu1847_Thr1848insAlaGlyGlnGluGlu (NM_001129836.2); c.5500_5514dup, p.Glu1838_Thr1839insAlaGlyGlnGluGlu (NM_001129837.2, NM_001129838.2); and 6 more.
Identifiers: ClinVar variation 2663693 (VCV002663693.1), dbSNP rs755933919, ClinGen allele CA6389874.

ClinVar aggregate classification (germline): Uncertain significance (1 of 4 stars; one submission).

Submission:

GeneDx
Classification: Uncertain significance. Last evaluated: 2023-04-26. Review status: criteria provided, single submitter. Criteria: GeneDx Variant Classification Process June 2021. Collection method: clinical testing. Allele origin: germline. Affected: yes.
Comment: Not observed at significant frequency in large population cohorts (gnomAD); In-frame duplication of 5 amino acids in a non-repeat region; Has not been previously published as pathogenic or benign to our knowledge